The following is an entry in ClinVar:

NM_005431.2(XRCC2):c.40-9T>C

Gene: XRCC2 (X-ray repair cross complementing 2; minus strand). Cytogenetic location: 7q36.1.
Variant type: single nucleotide variant.
Coding change: c.40-9T>C on transcript NM_005431.2 (MANE Select); 9 bases into the intron before coding-DNA position 40, T replaced by C.
Molecular consequence: intron variant.
Genome position (GRCh38, 1-based): chr7:152,660,791, A>G on the plus strand (T>C on the coding strand, the complement: XRCC2 is on the minus strand). VCF-style: chr7-152660791-A-G. GRCh37 (hg19) VCF-style: chr7-152357876-A-G.
Identifiers: ClinVar variation 4533083 (VCV004533083.1).

ClinVar aggregate classification (germline): Uncertain significance (1 of 4 stars; one submission).

Submission:

Quest Diagnostics Nichols Institute San Juan Capistrano
Classification: Uncertain significance. Last evaluated: 2025-07-11. Review status: criteria provided, single submitter. Criteria: Quest Diagnostics criteria. Collection method: clinical testing. Allele origin: unknown.
Comment: The XRCC2 c.40-9T>C variant has not been reported in individuals with XRCC2-related conditions in the published literature. It also has not been reported in large, multi-ethnic general populations (Genome Aggregation Database). Analysis of this variant using software algorithms for the prediction of the effect of nucleotide changes on splicing yielded predictions that this variant does not affect XRCC2 mRNA splicing. Based on the available information, we are unable to determine the clinical significance of this variant.